The following is an entry in ClinVar:

ClinVar aggregate classification (germline): Uncertain significance. Review status: criteria provided, multiple submitters, no conflicts (2 of 4 stars). 2 submissions from 2 submitters: Uncertain significance (2). Last evaluated 2022-07-29.

Conditions:
Congenital myopathy with fiber type disproportion. Also called: Congenital fiber-type disproportion; Congenital fiber-type disproportion myopathy. Identifiers: Orphanet 2020, MedGen C0546264, MONDO:0009711. Inheritance: all.
Congenital myopathy 4B, autosomal recessive. Also called: Nemaline myopathy 1, autosomal dominant or recessive. Identifiers: Orphanet 171433, Orphanet 171439, Orphanet 171881, MedGen C5829889, MONDO:0012239, OMIM 609284.

Allele frequency attached by ClinVar (database versions not stated): gnomAD exomes below 0.00001; gnomAD 0.00001; TOPMed 0.00001.
gnomAD v4.1: 2 of 1,614,208 alleles (0.00012%); highest among the groups gnomAD compares: African/African-American, 0.0027%; no homozygotes.

Submissions (2):

MGZ Medical Genetics Center
Classification: Uncertain significance for Congenital myopathy 4A, autosomal dominant. Last evaluated: 2022-07-29. Review status: criteria provided, single submitter. Criteria: ACMG Guidelines, 2015. Collection method: clinical testing. Allele origin: germline. Affected: yes. Observed: 1 variant allele.
Comment: ACMG criteria applied: PM2_SUP, PP3

Labcorp Genetics (formerly Invitae), Labcorp
Classification: Uncertain significance for Congenital myopathy with fiber type disproportion; Congenital myopathy 4B, autosomal recessive. Last evaluated: 2022-03-18. Review status: criteria provided, single submitter. Criteria: Invitae Variant Classification Sherloc (09022015). Collection method: clinical testing. Allele origin: germline.
Comment: This sequence change replaces methionine, which is neutral and non-polar, with valine, which is neutral and non-polar, at codon 282 of the TPM3 protein (p.Met282Val). This variant is not present in population databases (gnomAD no frequency). This variant has not been reported in the literature in individuals affected with TPM3-related conditions. Algorithms developed to predict the effect of missense changes on protein structure and function (SIFT, PolyPhen-2, Align-GVGD) all suggest that this variant is likely to be tolerated. Algorithms developed to predict the effect of sequence changes on RNA splicing suggest that this variant may create or strengthen a splice site. In summary, the available evidence is currently insufficient to determine the role of this variant in disease. Therefore, it has been classified as a Variant of Uncertain Significance.

NM_152263.4(TPM3):c.844A>G (p.Met282Val)

Gene: TPM3 (tropomyosin 3; minus strand). Cytogenetic location: 1q21.3.
Variant type: single nucleotide variant.
Coding change: c.844A>G on transcript NM_152263.4 (MANE Select); coding-DNA position 844, A replaced by G.
Protein change: p.Met282Val; replaces methionine 282 with valine.
Molecular consequence: missense variant. On other transcripts: intron variant (10).
Genome position (GRCh38, 1-based): chr1:154,169,315, T>C on the plus strand (A>G on the coding strand, the complement: TPM3 is on the minus strand). VCF-style: chr1-154169315-T-C. GRCh37 (hg19) VCF-style: chr1-154141791-T-C.
Other names: c.733A>G, p.Met245Val (NM_001278189.2, NM_001349679.2, NM_001364683.1); c.844A>G, p.Met282Val (NM_001364682.1); c.775+1085A>G (NM_001364679.2, NM_001364681.2, NM_001364680.2); c.466+1085A>G (NM_001278188.2); c.664+1085A>G (NM_001043351.2, NM_001043353.2, NM_153649.4 and 1 more transcripts); c.601+1085A>G (NM_001278190.2); c.394+1085A>G (NM_001278191.2); short protein forms M245V, M282V.
Identifiers: ClinVar variation 1504303 (VCV001504303.8), dbSNP rs1661325667, ClinGen allele CA342581876.
Genomic context (GRCh38, chr1:154,169,315, plus strand): 5'-ATCCACCCACAAGCCAAGATCCCAGCCCCACTCTACTGTCAGATAGTTACATAGAGGTCA[T>C]GTCATTGAGGGCGTGGTCCAGCTCCTCGCTAATGGCCTTGTACTTCAGTTTCTGGGCATA-3'
Protein context (NP_689476.2, residues 272-285): SEELDHALND[Met282Val]TSI